The following is an entry in ClinVar:

NM_005751.5(AKAP9):c.2296C>A (p.Leu766Ile)

Gene: AKAP9 (A-kinase anchoring protein 9; plus strand). Cytogenetic location: 7q21.2.
Variant type: single nucleotide variant.
Coding change: c.2296C>A on transcript NM_005751.5 (MANE Select); coding-DNA position 2296, C replaced by A.
Protein change: p.Leu766Ile; replaces leucine 766 with isoleucine.
Molecular consequence: missense variant.
Genome position (GRCh38, 1-based): chr7:92,002,213, C>A. VCF-style: chr7-92002213-C-A. GRCh37 (hg19) VCF-style: chr7-91631527-C-A.
Other names: c.2296C>A, p.Leu766Ile (NM_147185.3); short protein forms L766I.
Identifiers: ClinVar variation 3719982 (VCV003719982.2).
Genomic context (GRCh38, chr7:92,002,213, plus strand): 5'-CAAGAATTACAACTTAAAACAGAATTGTTAGAAAAACAGATGAAGGAAAAAGAGAATGAT[C>A]TTCAAGAAAAATTTGCACAACTTGAAGCAGAGAATAGCATTCTTAAAGATGAAAAGAAAA-3'
Protein context (NP_005742.4, residues 756-776): EKQMKEKEND[Leu766Ile]QEKFAQLEAE

ClinVar aggregate classification (germline): Uncertain significance (1 of 4 stars; one submission).

Conditions:
Long QT syndrome (LQTS). Identifiers: MedGen C0023976, MeSH D008133, MONDO:0002442. Disease mechanism: loss of function. Inheritance: Various modes of inheritance.

gnomAD v4.1: 6 of 1,590,784 alleles (0.00038%); highest among the groups gnomAD compares: Non-Finnish European, 0.00051%; no homozygotes.

Submission:

Labcorp Genetics (formerly Invitae), Labcorp
Classification: Uncertain significance for Long QT syndrome. Last evaluated: 2024-03-02. Review status: criteria provided, single submitter. Criteria: Invitae Variant Classification Sherloc (09022015). Collection method: clinical testing. Allele origin: germline.
Comment: This sequence change replaces leucine, which is neutral and non-polar, with isoleucine, which is neutral and non-polar, at codon 766 of the AKAP9 protein (p.Leu766Ile). The frequency data for this variant in the population databases is considered unreliable, as metrics indicate poor data quality at this position in the gnomAD database. This variant has not been reported in the literature in individuals affected with AKAP9-related conditions. An algorithm developed to predict the effect of missense changes on protein structure and function (PolyPhen-2) suggests that this variant is likely to be disruptive. In summary, the available evidence is currently insufficient to determine the role of this variant in disease. Therefore, it has been classified as a Variant of Uncertain Significance.